The following is an entry in ClinVar:

ClinVar aggregate classification (germline): Uncertain significance (1 of 4 stars; one submission).

Allele frequency attached by ClinVar (database versions not stated): ExAC 0.00006.

Submission:

Labcorp Genetics (formerly Invitae), Labcorp
Classification: Uncertain significance. Last evaluated: 2022-05-17. Review status: criteria provided, single submitter. Criteria: Invitae Variant Classification Sherloc (09022015). Collection method: clinical testing. Allele origin: germline.
Comment: This sequence change replaces arginine, which is basic and polar, with histidine, which is basic and polar, at codon 88 of the CFAP410 protein (p.Arg88His). This variant is present in population databases (rs760073135, gnomAD 0.007%). This variant has not been reported in the literature in individuals affected with CFAP410-related conditions. Algorithms developed to predict the effect of missense changes on protein structure and function output the following: SIFT: "Tolerated"; PolyPhen-2: "Benign"; Align-GVGD: "Class C0". The histidine amino acid residue is found in multiple mammalian species, which suggests that this missense change does not adversely affect protein function. In summary, the available evidence is currently insufficient to determine the role of this variant in disease. Therefore, it has been classified as a Variant of Uncertain Significance.

NM_004928.3(CFAP410):c.263G>A (p.Arg88His)

Gene: CFAP410 (cilia and flagella associated protein 410; minus strand). Cytogenetic location: 21q22.3.
Variant type: single nucleotide variant.
Coding change: c.263G>A on transcript NM_004928.3 (MANE Select); coding-DNA position 263, G replaced by A.
Protein change: p.Arg88His; replaces arginine 88 with histidine.
Molecular consequence: missense variant.
Genome position (GRCh38, 1-based): chr21:44,333,143, C>T on the plus strand (G>A on the coding strand, the complement: CFAP410 is on the minus strand). VCF-style: chr21-44333143-C-T. GRCh37 (hg19) VCF-style: chr21-45753026-C-T.
Other names: c.263G>A, p.Arg88His (NM_001271440.2, NM_001271441.2); c.140G>A, p.Arg47His (NM_001271442.1); short protein forms R47H, R88H.
Identifiers: ClinVar variation 1970570 (VCV001970570.2), dbSNP rs760073135, ClinGen allele CA10053747.